The following is an entry in ClinVar:

NM_001128431.4(SLC39A14):c.1004C>T (p.Thr335Ile)

Gene: SLC39A14 (solute carrier family 39 member 14; plus strand). Cytogenetic location: 8p21.3.
Variant type: single nucleotide variant.
Coding change: c.1004C>T on transcript NM_001128431.4 (MANE Select); coding-DNA position 1004, C replaced by T.
Protein change: p.Thr335Ile; replaces threonine 335 with isoleucine.
Molecular consequence: missense variant.
Genome position (GRCh38, 1-based): chr8:22,416,137, C>T. VCF-style: chr8-22416137-C-T. GRCh37 (hg19) VCF-style: chr8-22273650-C-T.
Other names: c.1004C>T, p.Thr335Ile (NM_001135153.3, NM_001135154.3, NM_001351655.2 and 3 more transcripts); c.1034C>T, p.Thr345Ile (NM_001351657.2, NM_001351658.2, NM_001351659.2); short protein forms T345I, T335I.
Identifiers: ClinVar variation 1927049 (VCV001927049.5), dbSNP rs1465451489, ClinGen allele CA370533246.

ClinVar aggregate classification (germline): Uncertain significance (1 of 4 stars; one submission).

Allele frequency attached by ClinVar (database versions not stated): gnomAD exomes below 0.00001; gnomAD 0.00001; TOPMed 0.00001.
gnomAD v4.1: 3 of 1,614,022 alleles (0.00019%); highest among the groups gnomAD compares: Non-Finnish European, 0.00025%; no homozygotes.

Submission:

Labcorp Genetics (formerly Invitae), Labcorp
Classification: Uncertain significance. Last evaluated: 2022-07-05. Review status: criteria provided, single submitter. Criteria: Invitae Variant Classification Sherloc (09022015). Collection method: clinical testing. Allele origin: germline.
Comment: This sequence change replaces threonine, which is neutral and polar, with isoleucine, which is neutral and non-polar, at codon 335 of the SLC39A14 protein (p.Thr335Ile). This variant is not present in population databases (gnomAD no frequency). This variant has not been reported in the literature in individuals affected with SLC39A14-related conditions. Algorithms developed to predict the effect of missense changes on protein structure and function are either unavailable or do not agree on the potential impact of this missense change (SIFT: "Tolerated"; PolyPhen-2: "Probably Damaging"; Align-GVGD: "Class C0"). In summary, the available evidence is currently insufficient to determine the role of this variant in disease. Therefore, it has been classified as a Variant of Uncertain Significance.